The following is an entry in ClinVar:

NM_001244926.2(PRPF4):c.896C>T (p.Ala299Val)

Gene: PRPF4 (pre-mRNA splicing tri-snRNP complex factor PRPF4; plus strand). Cytogenetic location: 9q32.
Variant type: single nucleotide variant.
Coding change: c.896C>T on transcript NM_001244926.2 (MANE Select); coding-DNA position 896, C replaced by T.
Protein change: p.Ala299Val; replaces alanine 299 with valine.
Molecular consequence: missense variant. On other transcripts: non-coding transcript variant (2).
Genome position (GRCh38, 1-based): chr9:113,286,792, C>T. VCF-style: chr9-113286792-C-T. GRCh37 (hg19) VCF-style: chr9-116049072-C-T.
Other names: c.899C>T (NM_004697.4); c.170C>T, p.Ala57Val (NM_001322266.2, NM_001322267.2); c.899C>T, p.Ala300Val (NM_004697.5); short protein forms A299V, A300V, A57V.
Identifiers: ClinVar variation 1006561 (VCV001006561.11), dbSNP rs575911571, ClinGen allele CA5195025.

ClinVar aggregate classification (germline): Uncertain significance. Review status: criteria provided, multiple submitters, no conflicts (2 of 4 stars). 3 submissions from 3 submitters: Uncertain significance (3). Last evaluated 2025-05-30.

Allele frequency attached by ClinVar (database versions not stated): gnomAD 0.00001; gnomAD exomes 0.00002; TOPMed 0.00002; ExAC 0.00003; 1000 Genomes Project 30x 0.00016; 1000 Genomes Project 0.00020.
gnomAD v4.1: 15 of 1,614,098 alleles (0.00093%); highest among the groups gnomAD compares: East Asian, 0.0067%; no homozygotes.

Submissions (3):

Ambry Genetics
Classification: Uncertain significance. Last evaluated: 2025-05-30. Review status: criteria provided, single submitter. Criteria: Ambry Variant Classification Scheme 2023. Collection method: clinical testing. Allele origin: germline.

Labcorp Genetics (formerly Invitae), Labcorp
Classification: Uncertain significance. Last evaluated: 2022-08-11. Review status: criteria provided, single submitter. Criteria: Invitae Variant Classification Sherloc (09022015). Collection method: clinical testing. Allele origin: germline.
Comment: In summary, the available evidence is currently insufficient to determine the role of this variant in disease. Therefore, it has been classified as a Variant of Uncertain Significance. Algorithms developed to predict the effect of missense changes on protein structure and function are either unavailable or do not agree on the potential impact of this missense change (SIFT: "Deleterious"; PolyPhen-2: "Possibly Damaging"; Align-GVGD: "Class C0"). ClinVar contains an entry for this variant (Variation ID: 1006561). This variant has not been reported in the literature in individuals affected with PRPF4-related conditions. This variant is present in population databases (rs575911571, gnomAD 0.02%). This sequence change replaces alanine, which is neutral and non-polar, with valine, which is neutral and non-polar, at codon 300 of the PRPF4 protein (p.Ala300Val).

Blueprint Genetics
Classification: Uncertain significance. Last evaluated: 2019-10-14. Review status: criteria provided, single submitter. Criteria: ACMG Guidelines, 2015. Collection method: clinical testing. Allele origin: germline.